The following is an entry in ClinVar:

ClinVar aggregate classification (germline): Uncertain significance (1 of 4 stars; one submission).

Conditions:
Inborn genetic diseases. Identifiers: MedGen C0950123, MeSH D030342.

Allele frequency attached by ClinVar (database versions not stated): gnomAD exomes below 0.00001; ExAC 0.00001.
gnomAD v4.1: 1 of 1,608,438 alleles (0.000062%); highest among the groups gnomAD compares: South Asian, 0.0011%; no homozygotes.

Submission:

Ambry Genetics
Classification: Uncertain significance for Inborn genetic diseases. Last evaluated: 2024-04-24. Review status: criteria provided, single submitter. Criteria: Ambry Variant Classification Scheme 2023. Collection method: clinical testing. Allele origin: germline.
Comment: The p.K2485R variant (also known as c.7454A>G), located in coding exon 50 of the LRRK2 gene, results from an A to G substitution at nucleotide position 7454. The lysine at codon 2485 is replaced by arginine, an amino acid with highly similar properties. This amino acid position is conserved. In addition, this alteration is predicted to be tolerated by in silico analysis. Since supporting evidence is limited at this time, the clinical significance of this alteration remains unclear.

NM_198578.4(LRRK2):c.7454A>G (p.Lys2485Arg)

Gene: LRRK2 (leucine rich repeat kinase 2; plus strand). Cytogenetic location: 12q12.
Variant type: single nucleotide variant.
Coding change: c.7454A>G on transcript NM_198578.4 (MANE Select); coding-DNA position 7454, A replaced by G.
Protein change: p.Lys2485Arg; replaces lysine 2485 with arginine.
Molecular consequence: missense variant.
Genome position (GRCh38, 1-based): chr12:40,367,069, A>G. VCF-style: chr12-40367069-A-G. GRCh37 (hg19) VCF-style: chr12-40760871-A-G.
Other names: short protein forms K2485R.
Identifiers: ClinVar variation 1758986 (VCV001758986.3), dbSNP rs745362408, ClinGen allele CA6514942.